The following is an entry in ClinVar:

NM_007294.4(BRCA1):c.1152G>A (p.Glu384=)

Gene: BRCA1 (BRCA1 DNA repair associated; minus strand). Cytogenetic location: 17q21.31.
Variant type: single nucleotide variant.
Coding change: c.1152G>A on transcript NM_007294.4 (MANE Select); coding-DNA position 1152, G replaced by A.
Protein change: p.Glu384=; no amino-acid change (glutamic acid 384 retained).
Molecular consequence: synonymous variant. On other transcripts: intron variant (137).
Genome position (GRCh38, 1-based): chr17:43,094,379, C>T on the plus strand (G>A on the coding strand, the complement: BRCA1 is on the minus strand). VCF-style: chr17-43094379-C-T. GRCh37 (hg19) VCF-style: chr17-41246396-C-T.
Other names: c.1008G>A, p.Glu336= (NM_001407845.1, NM_001407846.1, NM_001407847.1 and 20 more transcripts); c.1011G>A, p.Glu337= (NM_001407850.1, NM_001407851.1, NM_001407852.1 and 29 more transcripts); c.1152G>A, p.Glu384= (NM_001407854.1, NM_001407858.1, NM_001407859.1 and 30 more transcripts); c.1149G>A, p.Glu383= (NM_001407860.1, NM_001407861.1, NM_001407615.1 and 22 more transcripts); c.951G>A, p.Glu317= (NM_001407862.1); c.1029G>A, p.Glu343= (NM_001407863.1, NM_001407919.1, NM_001407937.1 and 19 more transcripts); c.942G>A, p.Glu314= (NM_001407881.1, NM_001407882.1, NM_001407884.1 and 13 more transcripts); c.939G>A, p.Glu313= (NM_001407853.1, NM_001407894.1, NM_001407895.1 and 9 more transcripts); and 40 more.
Identifiers: ClinVar variation 390270 (VCV000390270.14), dbSNP rs1057523704, ClinGen allele CA16607673.
Genomic context (GRCh38, chr17:43,094,379, plus strand): 5'-TTCAGACTCCCCATCATGTGAGTCATCAGAACCTAACAGTTCATCACTTCTGGAAAACCA[C>T]TCATTAACTTTCTGAATGCTGCTATTTAGTGTTATCCAAGGAACATCTTCAGTATCTCTA-3'
Protein context (NP_009225.1, residues 374-394): TLNSSIQKVN[Glu384=]WFSRSDELLG

ClinVar aggregate classification (germline): Conflicting classifications of pathogenicity. Review status: criteria provided, conflicting classifications (1 of 4 stars). 4 submissions from 4 submitters: Uncertain significance (1); Likely benign (3). Last evaluated 2024-12-31.

Conditions:
Hereditary breast ovarian cancer syndrome. Also called: Hereditary breast and ovarian cancer syndrome; BRCA1- and BRCA2-Associated Hereditary Breast and Ovarian Cancer; Hereditary breast and ovarian cancer; Hereditary breast and/or ovarian cancer syndrome; Hereditary breast and ovarian cancer syndrome (HBOC); Breast and ovarian cancer. Identifiers: Orphanet 145, MedGen C0677776, MeSH D061325, MONDO:0003582. Disease mechanism: loss of function.
Hereditary cancer-predisposing syndrome. Also called: Hereditary Cancer Syndrome; Hereditary neoplastic syndrome; Neoplastic Syndromes, Hereditary; Tumor predisposition. Identifiers: Orphanet 140162, MedGen C0027672, MeSH D009386, MONDO:0015356.
Fanconi anemia, complementation group S (FANCS). Identifiers: MedGen C4554406, MONDO:0054748, OMIM 617883.

Allele frequency attached by ClinVar (database versions not stated): gnomAD exomes below 0.00001.

Submissions (4):

Department of Pathology and Laboratory Medicine, Sinai Health System
Classification: Uncertain significance for Fanconi anemia, complementation group S. Last evaluated: 2024-12-31. Review status: criteria provided, single submitter. Criteria: ACMG Guidelines, 2015. Collection method: clinical testing. Allele origin: germline.

Ambry Genetics
Classification: Likely benign for Hereditary cancer-predisposing syndrome. Last evaluated: 2020-03-14. Review status: criteria provided, single submitter. Criteria: Ambry Variant Classification Scheme 2023. Collection method: clinical testing. Allele origin: germline.

Labcorp Genetics (formerly Invitae), Labcorp
Classification: Likely benign for Hereditary breast ovarian cancer syndrome. Last evaluated: 2019-07-26. Review status: criteria provided, single submitter. Criteria: Invitae Variant Classification Sherloc (09022015). Collection method: clinical testing. Allele origin: germline.

GeneDx
Classification: Likely benign. Last evaluated: 2016-10-20. Review status: criteria provided, single submitter. Criteria: GeneDx Variant Classification (06012015). Collection method: clinical testing. Allele origin: germline. Affected: yes.
Comment: This variant is considered likely benign or benign based on one or more of the following criteria: it is a conservative change, it occurs at a poorly conserved position in the protein, it is predicted to be benign by multiple in silico algorithms, and/or has population frequency not consistent with disease.